The following is an entry in ClinVar:

NM_001384732.1(CPLANE1):c.2268T>A (p.Asn756Lys)

Gene: CPLANE1 (ciliogenesis and planar polarity effector complex subunit 1; minus strand). Cytogenetic location: 5p13.2.
Variant type: single nucleotide variant.
Coding change: c.2268T>A on transcript NM_001384732.1 (MANE Select); coding-DNA position 2268, T replaced by A.
Protein change: p.Asn756Lys; replaces asparagine 756 with lysine.
Molecular consequence: missense variant.
Genome position (GRCh38, 1-based): chr5:37,226,327, A>T on the plus strand (T>A on the coding strand, the complement: CPLANE1 is on the minus strand). VCF-style: chr5-37226327-A-T. GRCh37 (hg19) VCF-style: chr5-37226429-A-T.
Other names: c.2268T>A, p.Asn756Lys (NM_023073.4); short protein forms N756K.
Identifiers: ClinVar variation 2158629 (VCV002158629.4), dbSNP rs546125732, ClinGen allele CA117057294.

ClinVar aggregate classification (germline): Uncertain significance (1 of 4 stars; one submission).

Allele frequency attached by ClinVar (database versions not stated): gnomAD exomes 0.00001; TOPMed 0.00001; 1000 Genomes Project 30x 0.00016; 1000 Genomes Project 0.00020.
gnomAD v4.1: 11 of 1,535,840 alleles (0.00072%); highest among the groups gnomAD compares: Admixed American, 0.0021%; no homozygotes.

Submission:

Labcorp Genetics (formerly Invitae), Labcorp
Classification: Uncertain significance. Last evaluated: 2025-11-24. Review status: criteria provided, single submitter. Criteria: Invitae Variant Classification Sherloc (09022015). Collection method: clinical testing. Allele origin: germline.
Comment: This sequence change replaces asparagine, which is neutral and polar, with lysine, which is basic and polar, at codon 756 of the CPLANE1 protein (p.Asn756Lys). This variant is present in population databases (rs546125732, gnomAD 0.005%). This variant has not been reported in the literature in individuals affected with CPLANE1-related conditions. ClinVar contains an entry for this variant (Variation ID: 2158629). Invitae Evidence Modeling of protein sequence and biophysical properties (such as structural, functional, and spatial information, amino acid conservation, physicochemical variation, residue mobility, and thermodynamic stability) indicates that this missense variant is not expected to disrupt CPLANE1 protein function with a negative predictive value of 95%. In summary, the available evidence is currently insufficient to determine the role of this variant in disease. Therefore, it has been classified as a Variant of Uncertain Significance.